The following is an entry in ClinVar:

ClinVar aggregate classification (germline): Benign/Likely benign. Review status: criteria provided, multiple submitters, no conflicts (2 of 4 stars). 2 submissions from 2 submitters: Benign (1); Likely benign (1). Last evaluated 2026-01-25.

Conditions:
Autosomal recessive limb-girdle muscular dystrophy type R18 (LGMDR18). Also called: MUSCULAR DYSTROPHY, LIMB-GIRDLE, AUTOSOMAL RECESSIVE 18; Autosomal recessive limb-girdle muscular dystrophy type 2S; Limb-girdle muscular dystrophy, type 2S. Identifiers: Orphanet 369840, MedGen C4517996, MONDO:0014144, OMIM 615356.

Allele frequency attached by ClinVar (database versions not stated): gnomAD below 0.00001 and 0.00031; TOPMed 0.00005; ExAC 0.00149; 1000 Genomes Project 0.00200; 1000 Genomes Project 30x 0.00219.
gnomAD v4.1: 937 of 1,613,944 alleles (0.058%); highest among the groups gnomAD compares: South Asian, 0.92%; 16 homozygotes.

Submissions (2):

Labcorp Genetics (formerly Invitae), Labcorp
Classification: Benign for Autosomal recessive limb-girdle muscular dystrophy type R18. Last evaluated: 2026-01-25. Review status: criteria provided, single submitter. Criteria: Invitae Variant Classification Sherloc (09022015). Collection method: clinical testing. Allele origin: germline.

CeGaT Center for Human Genetics Tuebingen
Classification: Likely benign. Last evaluated: 2023-10-01. Review status: criteria provided, single submitter. Criteria: CeGaT Center For Human Genetics Tuebingen Variant Classification Criteria Version 2. Collection method: clinical testing. Allele origin: germline. Affected: yes. Observed: 2 variant alleles.
Comment: TRAPPC11: BP4, BP7, BS2

NM_021942.6(TRAPPC11):c.1503G>A (p.Lys501=)

Gene: TRAPPC11 (trafficking protein particle complex subunit 11; plus strand). Cytogenetic location: 4q35.1.
Variant type: single nucleotide variant.
Coding change: c.1503G>A on transcript NM_021942.6 (MANE Select); coding-DNA position 1503, G replaced by A.
Protein change: p.Lys501=; no amino-acid change (lysine 501 retained).
Molecular consequence: synonymous variant.
Genome position (GRCh38, 1-based): chr4:183,684,777, G>A. VCF-style: chr4-183684777-G-A. GRCh37 (hg19) VCF-style: chr4-184605930-G-A.
Other names: c.1503G>A, p.Lys501= (NM_199053.3).
Identifiers: ClinVar variation 767271 (VCV000767271.34), dbSNP rs530411873, ClinGen allele CA3151940.